The following is an entry in ClinVar:

ClinVar aggregate classification (germline): Uncertain significance (1 of 4 stars; one submission).

Conditions:
Nemaline myopathy 2 (NEM2). Also called: Nemaline myopathy 2, autosomal recessive. Identifiers: MedGen C1850569, MONDO:0009725, OMIM 256030.

Allele frequency attached by ClinVar (database versions not stated): gnomAD exomes below 0.00001.
gnomAD v4.1: 2 of 1,611,950 alleles (0.00012%); highest among the groups gnomAD compares: South Asian, 0.0011%; no homozygotes.

Submission:

Labcorp Genetics (formerly Invitae), Labcorp
Classification: Uncertain significance for Nemaline myopathy 2. Last evaluated: 2022-07-03. Review status: criteria provided, single submitter. Criteria: Invitae Variant Classification Sherloc (09022015). Collection method: clinical testing. Allele origin: germline.
Comment: In summary, the available evidence is currently insufficient to determine the role of this variant in disease. Therefore, it has been classified as a Variant of Uncertain Significance. Algorithms developed to predict the effect of missense changes on protein structure and function output the following: SIFT: "Deleterious"; PolyPhen-2: "Not Available"; Align-GVGD: "Class C0". The isoleucine amino acid residue is found in multiple mammalian species, which suggests that this missense change does not adversely affect protein function. This variant has not been reported in the literature in individuals affected with NEB-related conditions. This variant is not present in population databases (gnomAD no frequency). This sequence change replaces methionine, which is neutral and non-polar, with isoleucine, which is neutral and non-polar, at codon 302 of the NEB protein (p.Met302Ile).

NM_001164508.2(NEB):c.906G>A (p.Met302Ile)

Gene: NEB (nebulin; minus strand). Cytogenetic location: 2q23.3.
Variant type: single nucleotide variant.
Coding change: c.906G>A on transcript NM_001164508.2 (MANE Select); coding-DNA position 906, G replaced by A.
Protein change: p.Met302Ile; replaces methionine 302 with isoleucine.
Molecular consequence: missense variant.
Genome position (GRCh38, 1-based): chr2:151,710,455, C>T on the plus strand (G>A on the coding strand, the complement: NEB is on the minus strand). VCF-style: chr2-151710455-C-T. GRCh37 (hg19) VCF-style: chr2-152566969-C-T.
Other names: c.906G>A, p.Met302Ile (NM_001164507.2, NM_001271208.2, NM_004543.5); short protein forms M302I.
Identifiers: ClinVar variation 2166726 (VCV002166726.4), dbSNP rs2099741659, ClinGen allele CA348786743.